The following is an entry in ClinVar:

ClinVar aggregate classification (germline): Likely pathogenic. Review status: reviewed by expert panel (3 of 4 stars). 7 submissions from 7 submitters: Likely pathogenic (1). 6 of the submissions do not count toward it. Last evaluated 2025-01-13.

Conditions:
Nemaline myopathy. Also called: Myopathies, Nemaline. Identifiers: Orphanet 607, MedGen C0206157, MONDO:0018958.
Arthrogryposis multiplex congenita 6. Identifiers: MedGen C5543431, MONDO:0030281, OMIM 619334.
Nemaline myopathy 2 (NEM2). Also called: Nemaline myopathy 2, autosomal recessive. Identifiers: MedGen C1850569, MONDO:0009725, OMIM 256030.

Allele frequency attached by ClinVar (database versions not stated): gnomAD exomes 0.00001 and below 0.00001; TOPMed 0.00002; gnomAD 0.00003.
gnomAD v4.1: 19 of 1,605,614 alleles (0.0012%); highest among the groups gnomAD compares: African/African-American, 0.0027%; no homozygotes.

Submissions (7):

ClinGen Congenital Myopathies Variant Curation Expert Panel, ClinGen
Classification: Likely pathogenic for Nemaline myopathy. Last evaluated: 2025-01-13. Review status: reviewed by expert panel. Criteria: ClinGen CongenMyopathy ACMG Specifications NEB V1.0.0. Collection method: curation. Allele origin: germline. Inheritance: Autosomal recessive inheritance.
Comment: The NM_001164508.2:c.11910+1G>A variant in NEB occurs in the canonical splice site (+1) of intron 79. It is predicted to result in an in-frame loss of the adjacent exon (PVS1_Strong). The variant is absent from gnomAD v4.1.0 meeting PM2_Supporting. At least one proband with congenital myopathy and congenital fiber type disproportion has been identified with this variant and another pathogenic NEB variant in trans (PM3; GeneDx, ClinVar: SCV005328220.1). In summary, the variant meets the criteria to be classified as likely pathogenic for autosomal recessive nemaline myopathy. ACMG/AMP criteria met, as specified by the ClinGen Congenital Myopathies VCEP: PVS1_Strong, PM3, PM2_Supporting (ClinGen Congenital Myopathies VCEP specifications version 1.0.0; 1/13/2025).

Victorian Clinical Genetics Services, Murdoch Childrens Research Institute
Classification: Likely pathogenic for Nemaline myopathy 2. Last evaluated: 2025-11-26. Review status: criteria provided, single submitter. Criteria: ACMG Guidelines, 2015. Collection method: clinical testing. Allele origin: germline. Affected: yes. Not counted in ClinVar's aggregate classification.
Comment: This variant is classified as Likely pathogenic. Evidence in support of pathogenic classification: Canonical splice site variant without proven consequence on splicing (no functional evidence available); Variant is present in gnomAD <0.01 for a recessive condition (v4: 19 heterozygote(s), 0 homozygote(s)). - This variant has strong previous evidence of pathogenicity in unrelated individuals. This variant has been classified as pathogenic and likely pathogenic by clinical laboratories in ClinVar. It has also been classified as likely pathogenic by the ClinGen Congenital Myopathies Variant Curation Expert Panel (ClinVar). - Abnormal splicing is predicted by in silico tool and affected nucleotide is highly conserved. Additional information: This variant is heterozygous; This gene is associated with autosomal recessive disease; Loss of function is a known mechanism of disease in this gene and is associated with arthrogryposis multiplex congenita 6 (MIM#619334) and nemaline myopathy 2 (MIM#256030); Inheritance information for this variant is not currently available in this individual.

GeneDx
Classification: Pathogenic. Last evaluated: 2025-08-30. Review status: criteria provided, single submitter. Criteria: GeneDx Variant Classification Process June 2021. Collection method: clinical testing. Allele origin: germline. Not counted in ClinVar's aggregate classification.
Comment: Canonical splice site variant predicted to result in an in-frame loss of the adjacent exon in a gene for which loss of function is a known mechanism of disease; Deletions involving coding exons of this gene are a known mechanism of disease (HGMD); Not observed at significant frequency in large population cohorts (gnomAD); Has not been previously published as pathogenic or benign to our knowledge

Baylor Genetics
Classification: Likely pathogenic for Arthrogryposis multiplex congenita 6. Last evaluated: 2023-12-14. Review status: criteria provided, single submitter. Criteria: ACMG Guidelines, 2015. Collection method: clinical testing. Allele origin: unknown. Not counted in ClinVar's aggregate classification.

Labcorp Genetics (formerly Invitae), Labcorp
Classification: Likely pathogenic for Nemaline myopathy 2. Last evaluated: 2023-05-28. Review status: criteria provided, single submitter. Criteria: Invitae Variant Classification Sherloc (09022015). Collection method: clinical testing. Allele origin: germline. Not counted in ClinVar's aggregate classification.
Comment: In summary, the currently available evidence indicates that the variant is pathogenic, but additional data are needed to prove that conclusively. Therefore, this variant has been classified as Likely Pathogenic. Algorithms developed to predict the effect of sequence changes on RNA splicing suggest that this variant may disrupt the consensus splice site. ClinVar contains an entry for this variant (Variation ID: 552059). This variant has not been reported in the literature in individuals affected with NEB-related conditions. The frequency data for this variant in the population databases is considered unreliable, as metrics indicate poor data quality at this position in the gnomAD database. This sequence change affects a donor splice site in intron 79 of the NEB gene. It is expected to disrupt RNA splicing. Variants that disrupt the donor or acceptor splice site typically lead to a loss of protein function (PMID: 16199547), and loss-of-function variants in NEB are known to be pathogenic (PMID: 25205138).

Revvity Omics, Revvity
Classification: Likely pathogenic. Last evaluated: 2021-11-27. Review status: criteria provided, single submitter. Criteria: ACMG Guidelines, 2015. Collection method: clinical testing. Allele origin: germline. Not counted in ClinVar's aggregate classification.

Counsyl
Classification: Likely pathogenic for Nemaline myopathy 2. Last evaluated: 2017-05-19. Review status: no assertion criteria provided. Collection method: clinical testing. Allele origin: unknown. Not counted in ClinVar's aggregate classification.

Literature cited by the submitters: PubMed 16199547 (cited by Labcorp Genetics (formerly Invitae), Labcorp); PubMed 25205138 (cited by Labcorp Genetics (formerly Invitae), Labcorp).

NM_001164508.2(NEB):c.11910+1G>A

Gene: NEB (nebulin; minus strand). Cytogenetic location: 2q23.3.
Variant type: single nucleotide variant.
Coding change: c.11910+1G>A on transcript NM_001164508.2 (MANE Select); the canonical splice donor site of the intron after coding-DNA position 11910, G replaced by A.
Molecular consequence: splice donor variant.
Genome position (GRCh38, 1-based): chr2:151,610,761, C>T on the plus strand (G>A on the coding strand, the complement: NEB is on the minus strand). VCF-style: chr2-151610761-C-T. GRCh37 (hg19) VCF-style: chr2-152467275-C-T.
Other names: c.11181+1G>A (NM_004543.5); c.11910+1G>A (NM_001164507.2, NM_001271208.2).
Identifiers: ClinVar variation 552059 (VCV000552059.17), dbSNP rs774495973, ClinGen allele CA57635829.